The following is an entry in ClinVar:

ClinVar aggregate classification (germline): Uncertain significance (1 of 4 stars; one submission).

Submission:

Labcorp Genetics (formerly Invitae), Labcorp
Classification: Uncertain significance. Last evaluated: 2022-08-06. Review status: criteria provided, single submitter. Criteria: Invitae Variant Classification Sherloc (09022015). Collection method: clinical testing. Allele origin: germline.
Comment: This sequence change replaces cysteine, which is neutral and slightly polar, with tryptophan, which is neutral and slightly polar, at codon 1540 of the SPEG protein (p.Cys1540Trp). In summary, the available evidence is currently insufficient to determine the role of this variant in disease. Therefore, it has been classified as a Variant of Uncertain Significance. Algorithms developed to predict the effect of missense changes on protein structure and function (SIFT, PolyPhen-2, Align-GVGD) all suggest that this variant is likely to be tolerated. This variant has not been reported in the literature in individuals affected with SPEG-related conditions. This variant is not present in population databases (gnomAD no frequency).

NM_005876.5(SPEG):c.4620C>G (p.Cys1540Trp)

Gene: SPEG (striated muscle enriched protein kinase; plus strand). Cytogenetic location: 2q35.
Variant type: single nucleotide variant.
Coding change: c.4620C>G on transcript NM_005876.5 (MANE Select); coding-DNA position 4620, C replaced by G.
Protein change: p.Cys1540Trp; replaces cysteine 1540 with tryptophan.
Molecular consequence: missense variant.
Genome position (GRCh38, 1-based): chr2:219,477,336, C>G. VCF-style: chr2-219477336-C-G. GRCh37 (hg19) VCF-style: chr2-220342058-C-G.
Other names: short protein forms C1540W.
Identifiers: ClinVar variation 1715272 (VCV001715272.5), dbSNP rs1316105994, ClinGen allele CA350681158.